The following is an entry in ClinVar:

ClinVar aggregate classification (germline): Likely pathogenic (1 of 4 stars; one submission).

Conditions:
Radio-Tartaglia syndrome. Identifiers: Orphanet 662234, MedGen C5543339, MONDO:0859143, OMIM 619312.

Submission:

Juno Genomics, Hangzhou Juno Genomics, Inc
Classification: Likely pathogenic for Radio-Tartaglia syndrome. Review status: criteria provided, single submitter. Criteria: ACMG Guidelines, 2015. Collection method: clinical testing. Allele origin: germline. Affected: yes.
Comment: Absent from controls (or at extremely low frequency if recessive) in Genome Aggregation Database, Exome Sequencing Project, 1000 Genomes Project, or Exome Aggregation Consortium.;Null variant in a gene where loss of function (LOF) is a known mechanism of disease.

NM_015001.3(SPEN):c.2986_2993del (p.Glu996fs)

Gene: SPEN (spen family transcriptional repressor; plus strand). Cytogenetic location: 1p36.13.
Variant type: Deletion.
Coding change: c.2986_2993del on transcript NM_015001.3 (MANE Select); coding-DNA positions 2986 to 2993, 8 bases deleted (GAAAAGCA; older notation c.2986_2993delGAAAAGCA).
Protein change: p.Glu996fs; shifts the reading frame from glutamic acid 996.
Molecular consequence: frameshift variant.
Genome position (GRCh38, 1-based): chr1:15,929,226-15,929,233, GAAAAGCA deleted; deleting any 8 consecutive bases within chr1:15,929,219-15,929,233 gives the same sequence; the c. name uses the placement nearest the transcript's 3' end. VCF-style (leftmost placement, unchanged base first): chr1-15929218-TAAAAGCAG-T. GRCh37 (hg19) VCF-style: chr1-16255713-TAAAAGCAG-T.
Other names: short protein forms E996fs.
Identifiers: ClinVar variation 3899375 (VCV003899375.2).